The following is an entry in ClinVar:

ClinVar aggregate classification (germline): Uncertain significance (1 of 4 stars; one submission).

Conditions:
Colorectal cancer, hereditary nonpolyposis, type 7. Identifiers: Orphanet 144, MedGen C1858380, MONDO:0013725, OMIM 614385.

Submission:

Labcorp Genetics (formerly Invitae), Labcorp
Classification: Uncertain significance for Colorectal cancer, hereditary nonpolyposis, type 7. Last evaluated: 2022-02-20. Review status: criteria provided, single submitter. Criteria: Invitae Variant Classification Sherloc (09022015). Collection method: clinical testing. Allele origin: germline.
Comment: In summary, the available evidence is currently insufficient to determine the role of this variant in disease. Therefore, it has been classified as a Variant of Uncertain Significance. Algorithms developed to predict the effect of missense changes on protein structure and function are either unavailable or do not agree on the potential impact of this missense change (SIFT: "Deleterious"; PolyPhen-2: "Benign"; Align-GVGD: "Class C0"). ClinVar contains an entry for this variant (Variation ID: 1034505). This variant has not been reported in the literature in individuals affected with MLH3-related conditions. This variant is not present in population databases (gnomAD no frequency). This sequence change replaces lysine, which is basic and polar, with glutamic acid, which is acidic and polar, at codon 12 of the MLH3 protein (p.Lys12Glu).

NM_001040108.2(MLH3):c.34A>G (p.Lys12Glu)

Gene: MLH3 (mutL homolog 3; minus strand). Cytogenetic location: 14q24.3.
Variant type: single nucleotide variant.
Coding change: c.34A>G on transcript NM_001040108.2 (MANE Select); coding-DNA position 34, A replaced by G.
Protein change: p.Lys12Glu; replaces lysine 12 with glutamic acid.
Molecular consequence: missense variant.
Genome position (GRCh38, 1-based): chr14:75,049,622, T>C on the plus strand (A>G on the coding strand, the complement: MLH3 is on the minus strand). VCF-style: chr14-75049622-T-C. GRCh37 (hg19) VCF-style: chr14-75516325-T-C.
Other names: c.34A>G, p.Lys12Glu (NM_014381.3); short protein forms K12E.
Identifiers: ClinVar variation 1034505 (VCV001034505.8), dbSNP rs1892532750, ClinGen allele CA390451920.